The following is an entry in ClinVar:

NM_000243.3(MEFV):c.1352T>G (p.Phe451Cys)

Gene: MEFV (MEFV innate immunity regulator, pyrin; minus strand). Cytogenetic location: 16p13.3.
Variant type: single nucleotide variant.
Coding change: c.1352T>G on transcript NM_000243.3 (MANE Select); coding-DNA position 1352, T replaced by G.
Protein change: p.Phe451Cys; replaces phenylalanine 451 with cysteine.
Molecular consequence: missense variant.
Genome position (GRCh38, 1-based): chr16:3,248,913, A>C on the plus strand (T>G on the coding strand, the complement: MEFV is on the minus strand). VCF-style: chr16-3248913-A-C. GRCh37 (hg19) VCF-style: chr16-3298913-A-C.
Other names: c.719T>G, p.Phe240Cys (NM_001198536.2); short protein forms F240C, F451C.
Identifiers: ClinVar variation 964707 (VCV000964707.43), dbSNP rs1958986915, ClinGen allele CA394467428.

ClinVar aggregate classification (germline): Conflicting classifications of pathogenicity. Review status: criteria provided, conflicting classifications (1 of 4 stars). 6 submissions from 4 submitters: Uncertain significance (2); Benign (2); Likely benign (1). 1 of the submissions does not count toward it. Last evaluated 2023-02-08.

Conditions:
Familial Mediterranean fever, autosomal dominant. Also called: FMF, AUTOSOMAL DOMINANT; Dominant Familial Mediterranean Fever. Identifiers: Orphanet 342, MedGen C1851347, MONDO:0007601, OMIM 134610.
Familial Mediterranean fever (FMF). Also called: Periodic peritonitis; Benign paroxysmal peritonitis; POLYSEROSITIS, FAMILIAL PAROXYSMAL; POLYSEROSITIS, RECURRENT. Identifiers: Orphanet 342, MedGen C0031069, MONDO:0018088, OMIM 249100. Disease mechanism: gain of function.
Acute febrile neutrophilic dermatosis (AFND). Also called: Sweet Syndrome; Gomm Button disease. Identifiers: Orphanet 3243, MedGen C0085077, MONDO:0011959, OMIM 608068.

Allele frequency attached by ClinVar (database versions not stated): gnomAD exomes below 0.00001.
gnomAD v4.1: 1 of 1,614,116 alleles (0.000062%); highest among the groups gnomAD compares: Non-Finnish European, 0.000085%; no homozygotes.

Submissions (6):

Genome-Nilou Lab
Classification: Likely benign for Familial Mediterranean fever. Last evaluated: 2023-02-08. Review status: criteria provided, single submitter. Criteria: ACMG Guidelines, 2015. Collection method: clinical testing. Allele origin: germline.

Genome-Nilou Lab
Classification: Benign for Familial Mediterranean fever, autosomal dominant. Last evaluated: 2023-02-08. Review status: criteria provided, single submitter. Criteria: ACMG Guidelines, 2015. Collection method: clinical testing. Allele origin: germline.

Genome-Nilou Lab
Classification: Benign for Acute febrile neutrophilic dermatosis. Last evaluated: 2023-02-08. Review status: criteria provided, single submitter. Criteria: ACMG Guidelines, 2015. Collection method: clinical testing. Allele origin: germline.

Labcorp Genetics (formerly Invitae), Labcorp
Classification: Uncertain significance for Familial Mediterranean fever. Last evaluated: 2021-08-27. Review status: criteria provided, single submitter. Criteria: Invitae Variant Classification Sherloc (09022015). Collection method: clinical testing. Allele origin: germline.
Comment: This sequence change replaces phenylalanine with cysteine at codon 451 of the MEFV protein (p.Phe451Cys). The phenylalanine residue is moderately conserved and there is a large physicochemical difference between phenylalanine and cysteine. This variant is not present in population databases (ExAC no frequency). This variant has not been reported in the literature in individuals affected with MEFV-related conditions. Algorithms developed to predict the effect of missense changes on protein structure and function are either unavailable or do not agree on the potential impact of this missense change (SIFT: "Tolerated"; PolyPhen-2: "Probably Damaging"; Align-GVGD: "Class C0"). In summary, the available evidence is currently insufficient to determine the role of this variant in disease. Therefore, it has been classified as a Variant of Uncertain Significance.

CeGaT Center for Human Genetics Tuebingen
Classification: Uncertain significance. Last evaluated: 2021-04-01. Review status: criteria provided, single submitter. Criteria: CeGaT Center For Human Genetics Tuebingen Variant Classification Criteria Version 2. Collection method: clinical testing. Allele origin: germline. Affected: yes. Observed: 1 variant allele.

Natera, Inc.
Classification: Uncertain significance for Familial Mediterranean fever. Last evaluated: 2021-04-01. Review status: no assertion criteria provided. Collection method: clinical testing. Allele origin: germline. Not counted in ClinVar's aggregate classification.